The following is an entry in ClinVar:

ClinVar aggregate classification (germline): Uncertain significance (1 of 4 stars; one submission).

Conditions:
Hereditary cancer-predisposing syndrome. Also called: Tumor predisposition; Hereditary neoplastic syndrome; Hereditary Cancer Syndrome; Neoplastic Syndromes, Hereditary. Identifiers: Orphanet 140162, MedGen C0027672, MeSH D009386, MONDO:0015356.

Submission:

Ambry Genetics
Classification: Uncertain significance for Hereditary cancer-predisposing syndrome. Last evaluated: 2025-03-31. Review status: criteria provided, single submitter. Criteria: Ambry Variant Classification Scheme 2023. Collection method: clinical testing. Allele origin: germline.
Comment: The p.T295I variant (also known as c.884C>T), located in coding exon 7 of the SUFU gene, results from a C to T substitution at nucleotide position 884. The threonine at codon 295 is replaced by isoleucine, an amino acid with similar properties. This amino acid position is conserved. In addition, this alteration is predicted to be tolerated by in silico analysis. Based on the available evidence, the clinical significance of this variant remains unclear.

NM_016169.4(SUFU):c.884C>T (p.Thr295Ile)

Gene: SUFU (SUFU negative regulator of hedgehog signaling; plus strand). Cytogenetic location: 10q24.32.
Variant type: single nucleotide variant.
Coding change: c.884C>T on transcript NM_016169.4 (MANE Select); coding-DNA position 884, C replaced by T.
Protein change: p.Thr295Ile; replaces threonine 295 with isoleucine.
Molecular consequence: missense variant.
Genome position (GRCh38, 1-based): chr10:102,597,267, C>T. VCF-style: chr10-102597267-C-T. GRCh37 (hg19) VCF-style: chr10-104357024-C-T.
Other names: c.884C>T, p.Thr295Ile (NM_001178133.2); short protein forms T295I.
Identifiers: ClinVar variation 3963857 (VCV003963857.1).